The following is an entry in ClinVar:

NM_001360016.2(G6PD):c.1141T>A (p.Phe381Ile)

Gene: G6PD (glucose-6-phosphate dehydrogenase; minus strand). Cytogenetic location: Xq28.
Variant type: single nucleotide variant.
Coding change: c.1141T>A on transcript NM_001360016.2 (MANE Select); coding-DNA position 1141, T replaced by A.
Protein change: p.Phe381Ile; replaces phenylalanine 381 with isoleucine.
Molecular consequence: missense variant.
Genome position (GRCh38, 1-based): chrX:154,532,713, A>T on the plus strand (T>A on the coding strand, the complement: G6PD is on the minus strand). VCF-style: chrX-154532713-A-T. GRCh37 (hg19) VCF-style: chrX-153760928-A-T.
Other names: c.1231T>A, p.Phe411Ile (NM_000402.4); c.1141T>A, p.Phe381Ile (NM_001042351.3); short protein forms F381I, F411I.
Identifiers: ClinVar variation 4710930 (VCV004710930.1).

ClinVar aggregate classification (germline): Likely pathogenic (1 of 4 stars; one submission).

Conditions:
Anemia, nonspherocytic hemolytic, due to G6PD deficiency (CNSHA1). Also called: Class I glucose-6-phosphate dehydrogenase deficiency; Favism, susceptibility to; Hemolytic anemia due to G6PD deficiency; ANEMIA, CONGENITAL, NONSPHEROCYTIC HEMOLYTIC, 1. Identifiers: Orphanet 466026, MedGen C2720289, MONDO:0010480, OMIM 300908.

Submission:

Labcorp Genetics (formerly Invitae), Labcorp
Classification: Likely pathogenic for Anemia, nonspherocytic hemolytic, due to G6PD deficiency. Last evaluated: 2025-04-02. Review status: criteria provided, single submitter. Criteria: Invitae Variant Classification Sherloc (09022015). Collection method: clinical testing. Allele origin: germline.
Comment: This sequence change replaces phenylalanine, which is neutral and non-polar, with isoleucine, which is neutral and non-polar, at codon 381 of the G6PD protein (p.Phe381Ile). This variant is not present in population databases (gnomAD no frequency). This missense change has been observed in individual(s) with glucose-6-phosphate dehydrogenase deficiency (PMID: 12064901; internal data). Invitae Evidence Modeling of protein sequence and biophysical properties (such as structural, functional, and spatial information, amino acid conservation, physicochemical variation, residue mobility, and thermodynamic stability) indicates that this missense variant is expected to disrupt G6PD protein function with a positive predictive value of 95%. This variant disrupts the p.Phe381 amino acid residue in G6PD. Other variant(s) that disrupt this residue have been observed in individuals with G6PD-related conditions (PMID: 7803800), which suggests that this may be a clinically significant amino acid residue. In summary, the currently available evidence indicates that the variant is pathogenic, but additional data are needed to prove that conclusively. Therefore, this variant has been classified as Likely Pathogenic.

Literature cited by the submitters: PubMed 12064901; PubMed 7803800.